The following is an entry in ClinVar:

ClinVar aggregate classification (germline): Uncertain significance. Review status: criteria provided, multiple submitters, no conflicts (2 of 4 stars). 2 submissions from 2 submitters: Uncertain significance (2). Last evaluated 2024-05-30.

Allele frequency attached by ClinVar (database versions not stated): ExAC 0.00027; gnomAD 0.00050; 1000 Genomes Project 0.00080; ESP Exome Variant Server 0.00095; 1000 Genomes Project 30x 0.00109.

Submissions (2):

Mayo Clinic Laboratories, Mayo Clinic
Classification: Uncertain significance. Last evaluated: 2024-05-30. Review status: criteria provided, single submitter. Criteria: ACMG Guidelines, 2015. Collection method: clinical testing. Allele origin: germline. Observed: 4 variant alleles.
Comment: PP3

Women's Health and Genetics/Laboratory Corporation of America, LabCorp
Classification: Uncertain significance. Last evaluated: 2023-02-24. Review status: criteria provided, single submitter. Criteria: LabCorp Variant Classification Summary - May 2015. Collection method: clinical testing. Allele origin: germline.
Comment: Variant summary: CFHR3 c.796+1G>A is located in a canonical splice-site and is predicted to affect mRNA splicing resulting in a significantly altered protein due to either exon skipping, shortening, or inclusion of intronic material. Several computational tools predict a significant impact on normal splicing: Three predict the variant abolishes a 5' splicing donor site. However, these predictions have yet to be confirmed by functional studies. The variant allele was found at a frequency of 0.00019 in 170490 control chromosomes, predominantly at a frequency of 0.0029 within the African or African-American subpopulation in the gnomAD database, including 10 homozygotes. The observed variant frequency within African or African-American control individuals in the gnomAD database is approximately 18-fold of the estimated maximal expected allele frequency for a pathogenic variant in CFHR3 causing Genetic Atypical Hemolytic Uremic Syndrome phenotype (0.00016), strongly suggesting that the variant is a benign polymorphism found primarily in populations of African or African-American origin. c.796+1G>A has been reported in the literature in individuals affected with Atypical Hemolytic Uremic Syndrome (HUS), as well as Streptococcus pneumoniae infection-associated HUS (e.g., Larsen_2018, Gomez-Delgado_2021, Abarrategui-Garrido_2009), however without strong evidence for causality. These data do not allow any conclusion about variant significance. No clinical diagnostic laboratories have submitted clinical-significance assessments for this variant to ClinVar after 2014. Based on the evidence outlined above, the variant was classified as uncertain significance.

Literature cited by the submitters: PubMed 29148534 (cited by Mayo Clinic Laboratories, Mayo Clinic and Women's Health and Genetics/Laboratory Corporation of America, LabCorp); PubMed 19745068 (cited by Women's Health and Genetics/Laboratory Corporation of America, LabCorp); PubMed 33777036 (cited by Women's Health and Genetics/Laboratory Corporation of America, LabCorp).

NM_021023.6(CFHR3):c.796+1G>A

Gene: CFHR3 (complement factor H related 3; plus strand). Cytogenetic location: 1q31.3.
Variant type: single nucleotide variant.
Coding change: c.796+1G>A on transcript NM_021023.6 (MANE Select); the canonical splice donor site of the intron after coding-DNA position 796, G replaced by A.
Molecular consequence: splice donor variant.
Genome position (GRCh38, 1-based): chr1:196,790,228, G>A. VCF-style: chr1-196790228-G-A. GRCh37 (hg19) VCF-style: chr1-196759358-G-A.
Other names: c.613+1G>A (NM_001166624.2).
Identifiers: ClinVar variation 2445963 (VCV002445963.2), dbSNP rs370108606, ClinGen allele CA1306273.
Genomic context (GRCh38, chr1:196,790,228, plus strand): 5'-AGGGTTCTAATTATGTAACATGTAGTAATGGAGAGTGGTCGGAACCACCAAGATGCATAC[G>A]TAAGTTCTTAAAATTCTAGATCCTGAGAAAATCAGAGTAATAAGTTTGATATTTGCTTTT-3'